The following is an entry in ClinVar:

NM_024989.4(PGAP1):c.1952+10A>C

Gene: PGAP1 (post-GPI attachment to proteins inositol deacylase 1; minus strand). Cytogenetic location: 2q33.1.
Variant type: single nucleotide variant.
Coding change: c.1952+10A>C on transcript NM_024989.4 (MANE Select); 10 bases into the intron after coding-DNA position 1952, A replaced by C.
Molecular consequence: intron variant.
Genome position (GRCh38, 1-based): chr2:196,847,937, T>G on the plus strand (A>C on the coding strand, the complement: PGAP1 is on the minus strand). VCF-style: chr2-196847937-T-G. GRCh37 (hg19) VCF-style: chr2-197712661-T-G.
Other names: p.?; c.785+10A>C (NM_001321100.2); c.1430+10A>C (NM_001321099.2).
Identifiers: ClinVar variation 705948 (VCV000705948.12), dbSNP rs7609297, ClinGen allele CA2040746.

ClinVar aggregate classification (germline): Benign. Review status: criteria provided, multiple submitters, no conflicts (2 of 4 stars). 3 submissions from 3 submitters: Benign (3). Last evaluated 2026-01-27.

Conditions:
Intellectual disability, autosomal recessive 42 (NEDDSBA). Also called: GLYCOSYLPHOSPHATIDYLINOSITOL BIOSYNTHESIS DEFECT 9; Neurodevelopmental disorder with dysmorphic features, spasticity, and brain abnormalities. Identifiers: Orphanet 88616, MedGen C4014343, MONDO:0014348, OMIM 615802.

Allele frequency attached by ClinVar (database versions not stated): gnomAD exomes 0.00055 and 0.00152; ExAC 0.00195; 1000 Genomes Project 0.00379; 1000 Genomes Project 30x 0.00437; gnomAD 0.00607 and 0.00652; ESP Exome Variant Server 0.00639; TOPMed 0.00664.
gnomAD v4.1: 1,697 of 1,529,708 alleles (0.11%); highest among the groups gnomAD compares: African/African-American, 2.1%; 14 homozygotes.

Submissions (3):

Labcorp Genetics (formerly Invitae), Labcorp
Classification: Benign for Intellectual disability, autosomal recessive 42. Last evaluated: 2026-01-27. Review status: criteria provided, single submitter. Criteria: Invitae Variant Classification Sherloc (09022015). Collection method: clinical testing. Allele origin: germline.

Mayo Clinic Laboratories, Mayo Clinic
Classification: Benign. Last evaluated: 2025-02-07. Review status: criteria provided, single submitter. Criteria: ACMG Guidelines, 2015. Collection method: clinical testing. Allele origin: germline. Observed: 1 variant allele.
Comment: BS1, BS2, BP4, BP7

Breakthrough Genomics
Classification: Benign. Review status: criteria provided, single submitter. Criteria: ACMG Guidelines, 2015. Collection method: not provided. Allele origin: germline. Inheritance: Autosomal recessive inheritance. Affected: yes.